The following is an entry in ClinVar:

NM_001083619.3(GRIA2):c.2115G>A (p.Arg705=)

Gene: GRIA2 (glutamate ionotropic receptor AMPA type subunit 2; plus strand). Cytogenetic location: 4q32.1.
Variant type: single nucleotide variant.
Coding change: c.2115G>A on transcript NM_001083619.3 (MANE Select); coding-DNA position 2115, G replaced by A.
Protein change: p.Arg705=; no amino-acid change (arginine 705 retained).
Molecular consequence: synonymous variant.
Genome position (GRCh38, 1-based): chr4:157,359,967, G>A. VCF-style: chr4-157359967-G-A. GRCh37 (hg19) VCF-style: chr4-158281119-G-A.
Other names: c.2115G>A, p.Arg705= (NM_000826.6); c.1974G>A, p.Arg658= (NM_001083620.3, NM_001379000.3, NM_001379001.3).
Identifiers: ClinVar variation 4820694 (VCV004820694.5).

ClinVar aggregate classification (germline): Likely benign. Review status: criteria provided, multiple submitters, no conflicts (2 of 4 stars). 2 submissions from 2 submitters: Likely benign (2). Last evaluated 2026-02-01.

gnomAD v4.1: 281 of 1,613,852 alleles (0.017%); highest among the groups gnomAD compares: South Asian, 0.29%; 3 homozygotes.

Submissions (2):

CeGaT Center for Human Genetics Tuebingen
Classification: Likely benign. Last evaluated: 2026-02-01. Review status: criteria provided, single submitter. Criteria: CeGaT Center For Human Genetics Tuebingen Variant Classification Criteria Version 2. Collection method: clinical testing. Allele origin: germline. Affected: yes. Observed: 1 variant allele.
Comment: GRIA2: BP4

Blueprint Genetics
Classification: Likely benign. Last evaluated: 2024-08-02. Review status: criteria provided, single submitter. Criteria: ACMG Guidelines, 2015. Collection method: clinical testing. Allele origin: germline.